The following is an entry in ClinVar:

ClinVar aggregate classification (germline): Uncertain significance. Review status: criteria provided, multiple submitters, no conflicts (2 of 4 stars). 2 submissions from 2 submitters: Uncertain significance (2). Last evaluated 2026-09-13.

Conditions:
Hereditary cancer-predisposing syndrome. Also called: Hereditary Cancer Syndrome; Tumor predisposition; Neoplastic Syndromes, Hereditary; Hereditary neoplastic syndrome. Identifiers: Orphanet 140162, MedGen C0027672, MeSH D009386, MONDO:0015356.
Hereditary breast ovarian cancer syndrome. Also called: Hereditary breast and ovarian cancer; Hereditary breast and/or ovarian cancer syndrome; Breast and ovarian cancer; Hereditary breast and ovarian cancer syndrome; Hereditary breast and ovarian cancer syndrome (HBOC); BRCA1- and BRCA2-Associated Hereditary Breast and Ovarian Cancer. Identifiers: Orphanet 145, MedGen C0677776, MeSH D061325, MONDO:0003582. Disease mechanism: loss of function.

Submissions (2):

Ambry Genetics
Classification: Uncertain significance for Hereditary cancer-predisposing syndrome. Last evaluated: 2026-09-13. Review status: criteria provided, single submitter. Criteria: Ambry Variant Classification Scheme 2023. Collection method: clinical testing. Allele origin: germline.
Comment: The p.T2367S variant (also known as c.7100C>G), located in coding exon 13 of the BRCA2 gene, results from a C to G substitution at nucleotide position 7100. The threonine at codon 2367 is replaced by serine, an amino acid with similar properties. This amino acid position is conserved. In addition, this alteration is predicted to be tolerated by in silico analysis. Based on the available evidence, the clinical significance of this variant remains unclear.

Labcorp Genetics (formerly Invitae), Labcorp
Classification: Uncertain significance for Hereditary breast ovarian cancer syndrome. Last evaluated: 2021-02-12. Review status: criteria provided, single submitter. Criteria: Invitae Variant Classification Sherloc (09022015). Collection method: clinical testing. Allele origin: germline.
Comment: Advanced modeling of protein sequence and biophysical properties (such as structural, functional, and spatial information, amino acid conservation, physicochemical variation, residue mobility, and thermodynamic stability) performed at Invitae indicates that this missense variant is not expected to disrupt BRCA2 protein function. In summary, the available evidence is currently insufficient to determine the role of this variant in disease. Therefore, it has been classified as a Variant of Uncertain Significance. This variant has not been reported in the literature in individuals with BRCA2-related conditions. This variant is not present in population databases (ExAC no frequency). This sequence change replaces threonine with serine at codon 2367 of the BRCA2 protein (p.Thr2367Ser). The threonine residue is weakly conserved and there is a small physicochemical difference between threonine and serine.

NM_000059.4(BRCA2):c.7100C>G (p.Thr2367Ser)

Gene: BRCA2 (BRCA2 DNA repair associated; plus strand). Cytogenetic location: 13q13.1.
Variant type: single nucleotide variant.
Coding change: c.7100C>G on transcript NM_000059.4 (MANE Select); coding-DNA position 7100, C replaced by G.
Protein change: p.Thr2367Ser; replaces threonine 2367 with serine.
Molecular consequence: missense variant.
Genome position (GRCh38, 1-based): chr13:32,354,953, C>G. VCF-style: chr13-32354953-C-G. GRCh37 (hg19) VCF-style: chr13-32929090-C-G.
Other names: c.7100C>G (NM_000059.3); short protein forms T2367S.
Identifiers: ClinVar variation 1474255 (VCV001474255.9), dbSNP rs754326949, ClinGen allele CA387738568.
Genomic context (GRCh38, chr13:32,354,953, plus strand): 5'-CAAATTTTACCGCACCTGGTCAAGAATTTCTGTCTAAATCTCATTTGTATGAACATCTGA[C>G]TTTGGAAAAATCTTCAAGCAATTTAGCAGTTTCAGGACATCCATTTTATCAAGTTTCTGC-3'
Protein context (NP_000050.3, residues 2357-2377): LSKSHLYEHL[Thr2367Ser]LEKSSSNLAV